The following is an entry in ClinVar:

NM_001372066.1(TFAP2A):c.1094G>A (p.Arg365Gln)

Gene: TFAP2A (transcription factor AP-2 alpha; minus strand). Cytogenetic location: 6p24.3.
Variant type: single nucleotide variant.
Coding change: c.1094G>A on transcript NM_001372066.1 (MANE Select); coding-DNA position 1094, G replaced by A.
Protein change: p.Arg365Gln; replaces arginine 365 with glutamine.
Molecular consequence: missense variant.
Genome position (GRCh38, 1-based): chr6:10,398,643, C>T on the plus strand (G>A on the coding strand, the complement: TFAP2A is on the minus strand). VCF-style: chr6-10398643-C-T. GRCh37 (hg19) VCF-style: chr6-10398876-C-T.
Other names: NM_003220.2:c.1088G>A; c.1070G>A, p.Arg357Gln (NM_001032280.3); c.1076G>A, p.Arg359Gln (NM_001042425.3); short protein forms R357Q, R359Q, R365Q.
Identifiers: ClinVar variation 1313029 (VCV001313029.2), dbSNP rs1761887576, ClinGen allele CA362699384.
Genomic context (GRCh38, chr6:10,398,643, plus strand): 5'-GAGATGAGGTTGAAGTGGGTCAAGCAGCTCTGGATGCCGGGCTCCAGGATGGGGTTGGGC[C>T]GTGAGTTCCCCAGGGGAGATCGGTCCTGAGCCAGCAGGTCGGTGAACTCTTTGCATATCT-3'
Protein context (NP_001358995.1, residues 355-375): AQDRSPLGNS[Arg365Gln]PNPILEPGIQ

ClinVar aggregate classification (germline): Uncertain significance (1 of 4 stars; one submission).

Allele frequency attached by ClinVar (database versions not stated): gnomAD exomes below 0.00001.
gnomAD v4.1: 4 of 1,614,064 alleles (0.00025%); highest among the groups gnomAD compares: African/African-American, 0.004%; no homozygotes.

Submission:

GeneDx
Classification: Uncertain significance. Last evaluated: 2020-07-14. Review status: criteria provided, single submitter. Criteria: GeneDx Variant Classification Process June 2021. Collection method: clinical testing. Allele origin: germline. Affected: yes.
Comment: Not observed in large population cohorts (Lek et al., 2016); In silico analysis supports that this missense variant has a deleterious effect on protein structure/function; Has not been previously published as pathogenic or benign to our knowledge